The following is an entry in ClinVar:

NM_000081.4(LYST):c.7957A>G (p.Arg2653Gly)

Gene: LYST (lysosomal trafficking regulator; minus strand). Cytogenetic location: 1q42.3.
Variant type: single nucleotide variant.
Coding change: c.7957A>G on transcript NM_000081.4 (MANE Select); coding-DNA position 7957, A replaced by G.
Protein change: p.Arg2653Gly; replaces arginine 2653 with glycine.
Molecular consequence: missense variant.
Genome position (GRCh38, 1-based): chr1:235,746,351, T>C on the plus strand (A>G on the coding strand, the complement: LYST is on the minus strand). VCF-style: chr1-235746351-T-C. GRCh37 (hg19) VCF-style: chr1-235909651-T-C.
Other names: c.7957A>G, p.Arg2653Gly (NM_001301365.1); short protein forms R2653G.
Identifiers: ClinVar variation 663608 (VCV000663608.5), dbSNP rs141019036, ClinGen allele CA1465989.
Genomic context (GRCh38, chr1:235,746,351, plus strand): 5'-TCATTTTAAAATCTGAGGAAAAACAAACTAATCCTATAGTCTTACCTTGATAAATAATCC[T>C]GTTGACTGCTAAAACAGTGAGCCTCTGTAGTCTCTGCGCAAGTTCCGTTTCAGTTGCTTG-3'
Protein context (NP_000072.2, residues 2643-2663): LQRLTVLAVN[Arg2653Gly]IIYQEFNSDI

ClinVar aggregate classification (germline): Uncertain significance. Review status: criteria provided, multiple submitters, no conflicts (2 of 4 stars). 2 submissions from 2 submitters: Uncertain significance (2). Last evaluated 2023-11-17.

Conditions:
Chédiak-Higashi syndrome (CHS). Also called: Chediak-Higashi Syndrome. Identifiers: Orphanet 167, MedGen C0007965, MONDO:0008963, OMIM 214500.

Allele frequency attached by ClinVar (database versions not stated): ExAC 0.00001; gnomAD 0.00003; TOPMed 0.00004; ESP Exome Variant Server 0.00008.
gnomAD v4.1: 6 of 1,613,650 alleles (0.00037%); highest among the groups gnomAD compares: African/African-American, 0.004%; no homozygotes.

Submissions (2):

Women's Health and Genetics/Laboratory Corporation of America, LabCorp
Classification: Uncertain significance. Last evaluated: 2023-11-17. Review status: criteria provided, single submitter. Criteria: LabCorp Variant Classification Summary - May 2015. Collection method: clinical testing. Allele origin: germline.
Comment: Variant summary: LYST c.7957A>G (p.Arg2653Gly) results in a non-conservative amino acid change in the encoded protein sequence. Three of four in-silico tools predict a damaging effect of the variant on protein function. The variant was absent in 251372 control chromosomes. The available data on variant occurrences in the general population are insufficient to allow any conclusion about variant significance. To our knowledge, no occurrence of c.7957A>G in individuals affected with Chediak-Higashi Syndrome and no experimental evidence demonstrating its impact on protein function have been reported. One submitter has cited clinical-significance assessments for this variant to ClinVar after 2014 and has classified the variant as uncertain significance. Based on the evidence outlined above, the variant was classified as uncertain significance.

Labcorp Genetics (formerly Invitae), Labcorp
Classification: Uncertain significance for Chédiak-Higashi syndrome. Last evaluated: 2021-08-27. Review status: criteria provided, single submitter. Criteria: Invitae Variant Classification Sherloc (09022015). Collection method: clinical testing. Allele origin: germline.
Comment: This sequence change replaces arginine with glycine at codon 2653 of the LYST protein (p.Arg2653Gly). The arginine residue is highly conserved and there is a moderate physicochemical difference between arginine and glycine. This variant is present in population databases (rs141019036, ExAC 0.009%). This variant has not been reported in the literature in individuals affected with LYST-related conditions. Algorithms developed to predict the effect of missense changes on protein structure and function are either unavailable or do not agree on the potential impact of this missense change (SIFT: "Deleterious"; PolyPhen-2: "Probably Damaging"; Align-GVGD: "Class C0"). In summary, the available evidence is currently insufficient to determine the role of this variant in disease. Therefore, it has been classified as a Variant of Uncertain Significance.